The following is an entry in ClinVar:

ClinVar aggregate classification (germline): Uncertain significance (1 of 4 stars; one submission).

Conditions:
Charcot-Marie-Tooth disease axonal type 2O. Also called: CHARCOT-MARIE-TOOTH NEUROPATHY, AXONAL, TYPE 2O; CHARCOT-MARIE-TOOTH DISEASE, AXONAL, AUTOSOMAL DOMINANT, TYPE 2O; Charcot-Marie-Tooth Neuropathy Type 2O; Charcot-Marie-Tooth disease, axonal, type 20. Identifiers: Orphanet 284232, MedGen C3280220, MONDO:0013644, OMIM 614228.

Submission:

Labcorp Genetics (formerly Invitae), Labcorp
Classification: Uncertain significance for Charcot-Marie-Tooth disease axonal type 2O. Last evaluated: 2022-11-28. Review status: criteria provided, single submitter. Criteria: Invitae Variant Classification Sherloc (09022015). Collection method: clinical testing. Allele origin: germline.
Comment: This sequence change replaces alanine, which is neutral and non-polar, with glycine, which is neutral and non-polar, at codon 517 of the DYNC1H1 protein (p.Ala517Gly). This variant is not present in population databases (gnomAD no frequency). This variant has not been reported in the literature in individuals affected with DYNC1H1-related conditions. Advanced modeling of protein sequence and biophysical properties (such as structural, functional, and spatial information, amino acid conservation, physicochemical variation, residue mobility, and thermodynamic stability) performed at Invitae indicates that this missense variant is not expected to disrupt DYNC1H1 protein function. In summary, the available evidence is currently insufficient to determine the role of this variant in disease. Therefore, it has been classified as a Variant of Uncertain Significance.

NM_001376.5(DYNC1H1):c.1550C>G (p.Ala517Gly)

Gene: DYNC1H1 (dynein cytoplasmic 1 heavy chain 1; plus strand). Cytogenetic location: 14q32.31.
Variant type: single nucleotide variant.
Coding change: c.1550C>G on transcript NM_001376.5 (MANE Select); coding-DNA position 1550, C replaced by G.
Protein change: p.Ala517Gly; replaces alanine 517 with glycine.
Molecular consequence: missense variant.
Genome position (GRCh38, 1-based): chr14:101,985,775, C>G. VCF-style: chr14-101985775-C-G. GRCh37 (hg19) VCF-style: chr14-102452112-C-G.
Other names: short protein forms A517G.
Identifiers: ClinVar variation 2817184 (VCV002817184.3), dbSNP rs2141274555, ClinGen allele CA391018299.
Genomic context (GRCh38, chr14:101,985,775, plus strand): 5'-GAGAGGTCCCTGAACCCCAAGATATGAAAGTGGCTGAGGTTCTCTTTGATGCTGCAGATG[C>G]AAATGCCATTGAGGAAGTAAACCTTGCTTATGAGAACGTCAAGGAAGTGGATGGACTGGA-3'
Protein context (NP_001367.2, residues 507-527): VAEVLFDAAD[Ala517Gly]NAIEEVNLAY